The following is an entry in ClinVar:

ClinVar aggregate classification (germline): Uncertain significance. Review status: criteria provided, multiple submitters, no conflicts (2 of 4 stars). 2 submissions from 2 submitters: Uncertain significance (2). Last evaluated 2025-05-17.

Conditions:
Hereditary cancer-predisposing syndrome. Also called: Hereditary neoplastic syndrome; Neoplastic Syndromes, Hereditary; Tumor predisposition; Hereditary Cancer Syndrome. Identifiers: Orphanet 140162, MedGen C0027672, MeSH D009386, MONDO:0015356.
Haddad syndrome (OHD). Also called: Ondine-Hirschsprung disease. Identifiers: Orphanet 99803, MedGen C1859049, MONDO:0020493.

Submissions (2):

Ambry Genetics
Classification: Uncertain significance for Hereditary cancer-predisposing syndrome. Last evaluated: 2025-05-17. Review status: criteria provided, single submitter. Criteria: Ambry Variant Classification Scheme 2023. Collection method: clinical testing. Allele origin: germline.
Comment: The p.S25R variant (also known as c.75C>A), located in coding exon 1 of the PHOX2B gene, results from a C to A substitution at nucleotide position 75. The serine at codon 25 is replaced by arginine, an amino acid with dissimilar properties. This amino acid position is conserved. In addition, this alteration is predicted to be deleterious by in silico analysis. Based on the available evidence, the clinical significance of this variant remains unclear.

Labcorp Genetics (formerly Invitae), Labcorp
Classification: Uncertain significance for Haddad syndrome. Last evaluated: 2022-03-07. Review status: criteria provided, single submitter. Criteria: Invitae Variant Classification Sherloc (09022015). Collection method: clinical testing. Allele origin: germline.
Comment: In summary, the available evidence is currently insufficient to determine the role of this variant in disease. Therefore, it has been classified as a Variant of Uncertain Significance. Algorithms developed to predict the effect of missense changes on protein structure and function are either unavailable or do not agree on the potential impact of this missense change (SIFT: "Deleterious"; PolyPhen-2: "Benign"; Align-GVGD: "Class C65"). ClinVar contains an entry for this variant (Variation ID: 941915). This variant has not been reported in the literature in individuals affected with PHOX2B-related conditions. This variant is not present in population databases (gnomAD no frequency). This sequence change replaces serine, which is neutral and polar, with arginine, which is basic and polar, at codon 25 of the PHOX2B protein (p.Ser25Arg).

NM_003924.4(PHOX2B):c.75C>A (p.Ser25Arg)

Genes: PHOX2B-AS1 (PHOX2B antisense RNA 1; plus strand), PHOX2B (paired like homeobox 2B; minus strand). Cytogenetic location: 4p13.
Variant type: single nucleotide variant.
Coding change: c.75C>A on transcript NM_003924.4 (MANE Select); coding-DNA position 75, C replaced by A.
Protein change: p.Ser25Arg; replaces serine 25 with arginine.
Molecular consequence: missense variant.
Genome position (GRCh38, 1-based): chr4:41,748,536, G>T on the plus strand (C>A on the coding strand, the complement: PHOX2B is on the minus strand). VCF-style: chr4-41748536-G-T. GRCh37 (hg19) VCF-style: chr4-41750553-G-T.
Other names: short protein forms S25R.
Identifiers: ClinVar variation 941915 (VCV000941915.11), dbSNP rs1733986571, ClinGen allele CA356741147.